The following is an entry in ClinVar:

NM_001492.6(GDF1):c.284T>C (p.Leu95Pro)

Genes: CERS1 (ceramide synthase 1; minus strand), GDF1 (growth differentiation factor 1; minus strand). Cytogenetic location: 19p13.11.
Variant type: single nucleotide variant.
Coding change: c.284T>C on transcript NM_001492.6 (MANE Select); coding-DNA position 284, T replaced by C.
Protein change: p.Leu95Pro; replaces leucine 95 with proline.
Molecular consequence: missense variant. On other transcripts: 3 prime UTR variant (2).
Genome position (GRCh38, 1-based): chr19:18,870,024, A>G on the plus strand (T>C on the coding strand, the complement: GDF1 is on the minus strand). VCF-style: chr19-18870024-A-G. GRCh37 (hg19) VCF-style: chr19-18980833-A-G.
Other names: c.*553T>C (NM_001387440.1, NM_021267.5); c.284T>C, p.Leu95Pro (NM_001387438.1); short protein forms L95P.
Identifiers: ClinVar variation 3900491 (VCV003900491.1).

ClinVar aggregate classification (germline): Uncertain significance (1 of 4 stars; one submission).

gnomAD v4.1: 2 of 1,596,850 alleles (0.00013%); highest among the groups gnomAD compares: Non-Finnish European, 0.00017%; no homozygotes.

Submission:

GeneDx
Classification: Uncertain significance. Last evaluated: 2024-11-22. Review status: criteria provided, single submitter. Criteria: GeneDx Variant Classification Process June 2021. Collection method: clinical testing. Allele origin: germline. Affected: yes.
Comment: Not observed at significant frequency in large population cohorts (gnomAD); In silico analysis supports that this missense variant has a deleterious effect on protein structure/function; Has not been previously published as pathogenic or benign to our knowledge